The following is an entry in ClinVar:

ClinVar aggregate classification (germline): Benign/Likely benign. Review status: criteria provided, multiple submitters, no conflicts (2 of 4 stars). 9 submissions from 9 submitters: Benign (6); Likely benign (3). Last evaluated 2026-01-28.

Conditions:
Wilson disease (WND). Also called: Wilson's disease. Identifiers: Orphanet 905, MedGen C0019202, MONDO:0010200, OMIM 277900. Disease mechanism: loss of function.

Allele frequency attached by ClinVar (database versions not stated): ExAC 0.00589; 1000 Genomes Project 0.01078; gnomAD exomes 0.00196; TOPMed 0.00892; ESP Exome Variant Server 0.00954; 1000 Genomes Project 30x 0.01171.
gnomAD v4.1: 2,484 of 1,563,512 alleles (0.16%); highest among the groups gnomAD compares: African/African-American, 3%; 37 homozygotes.

Submissions (9):

Labcorp Genetics (formerly Invitae), Labcorp
Classification: Benign for Wilson disease. Last evaluated: 2026-01-28. Review status: criteria provided, single submitter. Criteria: Invitae Variant Classification Sherloc (09022015). Collection method: clinical testing. Allele origin: germline.

ARUP Laboratories, Molecular Genetics and Genomics, ARUP Laboratories
Classification: Benign for Wilson disease. Last evaluated: 2025-01-26. Review status: criteria provided, single submitter. Criteria: ARUP Molecular Germline Variant Investigation Process 2024. Collection method: clinical testing. Allele origin: germline.

Blueprint Genetics
Classification: Likely benign. Last evaluated: 2024-11-20. Review status: criteria provided, single submitter. Criteria: ACMG Guidelines, 2015. Collection method: clinical testing. Allele origin: germline.

Mayo Clinic Laboratories, Mayo Clinic
Classification: Benign. Last evaluated: 2023-02-09. Review status: criteria provided, single submitter. Criteria: ACMG Guidelines, 2015. Collection method: clinical testing. Allele origin: germline. Observed: 2 variant alleles.
Comment: BA1, BP4, BP7

GeneDx
Classification: Benign. Last evaluated: 2016-02-15. Review status: criteria provided, single submitter. Criteria: GeneDx Variant Classification (06012015). Collection method: clinical testing. Allele origin: germline. Affected: yes.
Comment: This variant is considered likely benign or benign based on one or more of the following criteria: it is a conservative change, it occurs at a poorly conserved position in the protein, it is predicted to be benign by multiple in silico algorithms, and/or has population frequency not consistent with disease.

Eurofins Ntd Llc (ga)
Classification: Benign. Last evaluated: 2014-07-11. Review status: criteria provided, single submitter. Criteria: EGL Classification Definitions 2015. Collection method: clinical testing. Allele origin: germline. Observed: 2 variant alleles, 2 heterozygotes.

Women's Health and Genetics/Laboratory Corporation of America, LabCorp
Classification: Likely benign for Wilson Disease. Last evaluated: 2011-08-18. Review status: criteria provided, single submitter. Criteria: LabCorp Variant Classification Summary - May 2015. Collection method: curation, clinical testing. Allele origin: germline. Inheritance: autosomal unknown. Affected: yes.
ClinVar note: Converted during submission from likely benign to Likely benign.

Breakthrough Genomics
Classification: Likely benign. Review status: criteria provided, single submitter. Criteria: ACMG Guidelines, 2015. Collection method: not provided. Allele origin: germline. Inheritance: Autosomal recessive inheritance. Affected: yes.

PreventionGenetics, part of Exact Sciences
Classification: Benign. Review status: criteria provided, single submitter. Criteria: ACMG Guidelines, 2015. Collection method: clinical testing. Allele origin: germline.

NM_000053.4(ATP7B):c.3060+16G>T

Gene: ATP7B (ATPase copper transporting beta; minus strand). Cytogenetic location: 13q14.3.
Variant type: single nucleotide variant.
Coding change: c.3060+16G>T on transcript NM_000053.4 (MANE Select); 16 bases into the intron after coding-DNA position 3060, G replaced by T.
Molecular consequence: intron variant.
Genome position (GRCh38, 1-based): chr13:51,946,268, C>A on the plus strand (G>T on the coding strand, the complement: ATP7B is on the minus strand). VCF-style: chr13-51946268-C-A. GRCh37 (hg19) VCF-style: chr13-52520404-C-A.
Other names: p.?; c.2727+16G>T (NM_001243182.2); c.2439+16G>T (NM_001005918.3); c.2808+16G>T (NM_001330579.2); c.2826+16G>T (NM_001330578.2).
Identifiers: ClinVar variation 35718 (VCV000035718.26), dbSNP rs76163470, ClinGen allele CA200990.